The following is an entry in ClinVar:

NM_004655.4(AXIN2):c.2062C>G (p.Leu688Val)

Gene: AXIN2 (axin 2; minus strand). Cytogenetic location: 17q24.1.
Variant type: single nucleotide variant.
Coding change: c.2062C>G on transcript NM_004655.4 (MANE Select); coding-DNA position 2062, C replaced by G.
Protein change: p.Leu688Val; replaces leucine 688 with valine.
Molecular consequence: missense variant.
Genome position (GRCh38, 1-based): chr17:65,536,399, G>C on the plus strand (C>G on the coding strand, the complement: AXIN2 is on the minus strand). VCF-style: chr17-65536399-G-C. GRCh37 (hg19) VCF-style: chr17-63532517-G-C.
Other names: c.1867C>G, p.Leu623Val (NM_001363813.1); short protein forms L623V, L688V.
Identifiers: ClinVar variation 863397 (VCV000863397.9), dbSNP rs35415678, ClinGen allele CA400676063.

ClinVar aggregate classification (germline): Uncertain significance (1 of 4 stars; one submission).

Conditions:
Oligodontia-cancer predisposition syndrome. Also called: TOOTH AGENESIS-COLORECTAL CANCER SYNDROME. Identifiers: Orphanet 300576, MedGen C1837750, MONDO:0012075, OMIM 608615. Disease mechanism: loss of function.

Submission:

Labcorp Genetics (formerly Invitae), Labcorp
Classification: Uncertain significance for Oligodontia-cancer predisposition syndrome. Last evaluated: 2020-10-06. Review status: criteria provided, single submitter. Criteria: Invitae Variant Classification Sherloc (09022015). Collection method: clinical testing. Allele origin: germline.
Comment: This sequence change replaces leucine with valine at codon 688 of the AXIN2 protein (p.Leu688Val). The leucine residue is highly conserved and there is a small physicochemical difference between leucine and valine. This variant is not present in population databases (ExAC no frequency). This variant has not been reported in the literature in individuals with AXIN2-related conditions. Algorithms developed to predict the effect of missense changes on protein structure and function are either unavailable or do not agree on the potential impact of this missense change (SIFT: "Tolerated"; PolyPhen-2: "Probably Damaging"; Align-GVGD: "Class C0"). In summary, the available evidence is currently insufficient to determine the role of this variant in disease. Therefore, it has been classified as a Variant of Uncertain Significance.